The following is an entry in ClinVar:

ClinVar aggregate classification (germline): Likely benign. Review status: criteria provided, multiple submitters, no conflicts (2 of 4 stars). 3 submissions from 3 submitters: Likely benign (3). Last evaluated 2025-09-10.

Conditions:
MORC2-related disorder. Also called: MORC2-related condition.
Charcot-Marie-Tooth disease axonal type 2Z. Also called: CHARCOT-MARIE-TOOTH DISEASE, AXONAL, AUTOSOMAL DOMINANT, TYPE 2Z; CHARCOT-MARIE-TOOTH NEUROPATHY, TYPE 2Z. Identifiers: Orphanet 466768, MedGen C5569025, MONDO:0014736, OMIM 616688.

Allele frequency attached by ClinVar (database versions not stated): gnomAD exomes below 0.00001; gnomAD 0.00001; TOPMed 0.00002.
gnomAD v4.1: 13 of 1,613,984 alleles (0.00081%); highest among the groups gnomAD compares: Non-Finnish European, 0.0011%; no homozygotes.

Submissions (3):

PreventionGenetics, part of Exact Sciences
Classification: Likely benign for MORC2-related condition. Last evaluated: 2025-09-10. Review status: criteria provided, single submitter. Criteria: ACMG Guidelines, 2015. Collection method: clinical testing. Allele origin: germline.
Comment: This variant is classified as likely benign based on ACMG/AMP sequence variant interpretation guidelines (Richards et al. 2015 PMID: 25741868, with internal and published modifications).

Blueprint Genetics
Classification: Likely benign. Last evaluated: 2024-10-18. Review status: criteria provided, single submitter. Criteria: ACMG Guidelines, 2015. Collection method: clinical testing. Allele origin: germline.

Labcorp Genetics (formerly Invitae), Labcorp
Classification: Likely benign for Charcot-Marie-Tooth disease axonal type 2Z. Last evaluated: 2021-10-14. Review status: criteria provided, single submitter. Criteria: Invitae Variant Classification Sherloc (09022015). Collection method: clinical testing. Allele origin: germline.

NM_001303256.3(MORC2):c.2739G>A (p.Gln913=)

Gene: MORC2 (MORC family CW-type zinc finger 2; minus strand). Cytogenetic location: 22q12.2.
Variant type: single nucleotide variant.
Coding change: c.2739G>A on transcript NM_001303256.3 (MANE Select); coding-DNA position 2739, G replaced by A.
Protein change: p.Gln913=; no amino-acid change (glutamine 913 retained).
Molecular consequence: synonymous variant.
Genome position (GRCh38, 1-based): chr22:30,932,553, C>T on the plus strand (G>A on the coding strand, the complement: MORC2 is on the minus strand). VCF-style: chr22-30932553-C-T. GRCh37 (hg19) VCF-style: chr22-31328540-C-T.
Other names: c.2739G>A, p.Gln913= (NM_001303257.2); c.2553G>A, p.Gln851= (NM_014941.3); c.2739G>A (NM_001303256.2).
Identifiers: ClinVar variation 1603779 (VCV001603779.10), dbSNP rs751197811, ClinGen allele CA323269468.
Genomic context (GRCh38, chr22:30,932,553, plus strand): 5'-AGGCAGAGAGCTGCTGCTGGCCCTGGGGTGGGAAGACAAAAGACACATGTACCGGAGGAT[C>T]TGGACAAGCAGGTCGATGGTCTCGTGATTGGTGCTCAGGGCAGTGGTGTCAGGCTCAATG-3'
Protein context (NP_001290185.1, residues 903-923): TNHETIDLLV[Gln913=]ILRNCLRYFL